The following is an entry in ClinVar:

ClinVar aggregate classification (germline): Uncertain significance (1 of 4 stars; one submission).

Conditions:
Hereditary nonpolyposis colorectal neoplasms. Identifiers: MedGen C0009405, MeSH D003123.

Submission:

Labcorp Genetics (formerly Invitae), Labcorp
Classification: Uncertain significance for Hereditary nonpolyposis colorectal neoplasms. Last evaluated: 2025-12-15. Review status: criteria provided, single submitter. Criteria: Invitae Variant Classification Sherloc (09022015). Collection method: clinical testing. Allele origin: germline.
Comment: This sequence change replaces aspartic acid, which is acidic and polar, with alanine, which is neutral and non-polar, at codon 60 of the PMS2 protein (p.Asp60Ala). This variant is not present in population databases (gnomAD no frequency). This variant has not been reported in the literature in individuals affected with PMS2-related conditions. ClinVar contains an entry for this variant (Variation ID: 3664599). Invitae Evidence Modeling incorporating data from in vitro experimental studies (internal data) indicates that this missense variant is not expected to disrupt PMS2 function with a negative predictive value of 95%. In summary, the available evidence is currently insufficient to determine the role of this variant in disease. Therefore, it has been classified as a Variant of Uncertain Significance.

NM_000535.7(PMS2):c.179A>C (p.Asp60Ala)

Gene: PMS2 (PMS1 homolog 2, mismatch repair system component; minus strand). Cytogenetic location: 7p22.1.
Variant type: single nucleotide variant.
Coding change: c.179A>C on transcript NM_000535.7 (MANE Select); coding-DNA position 179, A replaced by C.
Protein change: p.Asp60Ala; replaces aspartic acid 60 with alanine.
Molecular consequence: missense variant. On other transcripts: 5 prime UTR variant (44), non-coding transcript variant (1), intron variant (1).
Genome position (GRCh38, 1-based): chr7:6,004,043, T>G on the plus strand (A>C on the coding strand, the complement: PMS2 is on the minus strand). VCF-style: chr7-6004043-T-G. GRCh37 (hg19) VCF-style: chr7-6043674-T-G.
Other names: c.-227A>C (NM_001322003.2, NM_001322004.2, NM_001322005.2 and 13 more transcripts); c.179A>C, p.Asp60Ala (NM_001322006.2, NM_001322014.2, NM_001406868.1 and 10 more transcripts); c.-37A>C (NM_001322007.2, NM_001322008.2, NM_001406876.1 and 4 more transcripts); c.-706A>C (NM_001322011.2, NM_001322012.2); c.-306A>C (NM_001322015.2, NM_001406875.1, NM_001406877.1 and 3 more transcripts); c.365A>C, p.Asp122Ala (NM_001406866.1); c.-253A>C (NM_001406880.1); c.-203A>C (NM_001406881.1, NM_001406900.1); and 3 more; short protein forms D122A, D60A.
Identifiers: ClinVar variation 3664599 (VCV003664599.2).